The following is an entry in ClinVar:

ClinVar aggregate classification (germline): Uncertain significance (1 of 4 stars; one submission).

Submission:

Labcorp Genetics (formerly Invitae), Labcorp
Classification: Uncertain significance. Last evaluated: 2022-05-19. Review status: criteria provided, single submitter. Criteria: Invitae Variant Classification Sherloc (09022015). Collection method: clinical testing. Allele origin: germline.
Comment: This sequence change replaces arginine, which is basic and polar, with proline, which is neutral and non-polar, at codon 1551 of the COL11A2 protein (p.Arg1551Pro). This variant is not present in population databases (gnomAD no frequency). This variant has not been reported in the literature in individuals affected with COL11A2-related conditions. Advanced modeling of protein sequence and biophysical properties (such as structural, functional, and spatial information, amino acid conservation, physicochemical variation, residue mobility, and thermodynamic stability) performed at Invitae indicates that this missense variant is not expected to disrupt COL11A2 protein function. In summary, the available evidence is currently insufficient to determine the role of this variant in disease. Therefore, it has been classified as a Variant of Uncertain Significance.

NM_080680.3(COL11A2):c.4652G>C (p.Arg1551Pro)

Gene: COL11A2 (collagen type XI alpha 2 chain; minus strand). Cytogenetic location: 6p21.32.
Variant type: single nucleotide variant.
Coding change: c.4652G>C on transcript NM_080680.3 (MANE Select); coding-DNA position 4652, G replaced by C.
Protein change: p.Arg1551Pro; replaces arginine 1551 with proline.
Molecular consequence: missense variant.
Genome position (GRCh38, 1-based): chr6:33,165,647, C>G on the plus strand (G>C on the coding strand, the complement: COL11A2 is on the minus strand). VCF-style: chr6-33165647-C-G. GRCh37 (hg19) VCF-style: chr6-33133424-C-G.
Other names: c.4331G>C, p.Arg1444Pro (NM_080679.3); c.4394G>C, p.Arg1465Pro (NM_080681.3); short protein forms R1444P, R1465P, R1551P.
Identifiers: ClinVar variation 1996317 (VCV001996317.4), dbSNP rs145343609, ClinGen allele CA363618562.